The following is an entry in ClinVar:

ClinVar aggregate classification (germline): Benign/Likely benign. Review status: criteria provided, multiple submitters, no conflicts (2 of 4 stars). 4 submissions from 4 submitters: Benign (1); Likely benign (3). Last evaluated 2026-04-02.

Conditions:
Hereditary cancer-predisposing syndrome. Also called: Hereditary neoplastic syndrome; Neoplastic Syndromes, Hereditary; Tumor predisposition; Hereditary Cancer Syndrome. Identifiers: Orphanet 140162, MedGen C0027672, MeSH D009386, MONDO:0015356.
Peutz-Jeghers syndrome (PJS). Also called: POLYPOSIS, HAMARTOMATOUS INTESTINAL; POLYPS-AND-SPOTS SYNDROME; Peutz-Jeghers polyposis; Periorificial lentiginosis syndrome. Identifiers: Orphanet 2869, MedGen C0031269, MeSH D010580, MONDO:0008280, OMIM 175200.

Submissions (4):

Ambry Genetics
Classification: Likely benign for Hereditary cancer-predisposing syndrome. Last evaluated: 2026-04-02. Review status: criteria provided, single submitter. Criteria: Ambry Variant Classification Scheme 2023. Collection method: clinical testing. Allele origin: germline.

Color Diagnostics, LLC DBA Color Health
Classification: Likely benign for Hereditary cancer-predisposing syndrome. Last evaluated: 2025-06-03. Review status: criteria provided, single submitter. Criteria: ACMG Guidelines, 2015. Collection method: clinical testing. Allele origin: germline.

Myriad Genetics, Inc.
Classification: Benign for Peutz-Jeghers syndrome. Last evaluated: 2025-03-26. Review status: criteria provided, single submitter. Criteria: Myriad Autosomal Dominant, Autosomal Recessive and X-Linked Classification Criteria (2023). Collection method: clinical testing. Allele origin: unknown.
Comment: This variant is considered benign. This variant is a silent/synonymous amino acid change and it is not expected to impact splicing.

Labcorp Genetics (formerly Invitae), Labcorp
Classification: Likely benign for Peutz-Jeghers syndrome. Last evaluated: 2023-01-26. Review status: criteria provided, single submitter. Criteria: Invitae Variant Classification Sherloc (09022015). Collection method: clinical testing. Allele origin: germline.

NM_000455.5(STK11):c.492G>A (p.Leu164=)

Gene: STK11 (serine/threonine kinase 11; plus strand). Cytogenetic location: 19p13.3.
Variant type: single nucleotide variant.
Coding change: c.492G>A on transcript NM_000455.5 (MANE Select); coding-DNA position 492, G replaced by A.
Protein change: p.Leu164=; no amino-acid change (leucine 164 retained).
Molecular consequence: synonymous variant. On other transcripts: non-coding transcript variant (1).
Genome position (GRCh38, 1-based): chr19:1,220,400, G>A. VCF-style: chr19-1220400-G-A. GRCh37 (hg19) VCF-style: chr19-1220399-G-A.
Other names: c.492G>A, p.Leu164= (NM_001407255.1).
Identifiers: ClinVar variation 2990058 (VCV002990058.6), dbSNP rs2145424221, ClinGen allele CA504706646.